The following is an entry in ClinVar:

ClinVar aggregate classification (germline): Uncertain significance (1 of 4 stars; one submission).

Conditions:
Inborn genetic diseases. Identifiers: MedGen C0950123, MeSH D030342.

gnomAD v4.1: 1 of 1,612,938 alleles (0.000062%); highest among the groups gnomAD compares: Non-Finnish European, 0.000085%; no homozygotes.

Submission:

Ambry Genetics
Classification: Uncertain significance for Inborn genetic diseases. Last evaluated: 2025-03-29. Review status: criteria provided, single submitter. Criteria: Ambry Variant Classification Scheme 2023. Collection method: clinical testing. Allele origin: germline.
Comment: The p.S884Y variant (also known as c.2651C>A), located in coding exon 1 of the SAMD9 gene, results from a C to A substitution at nucleotide position 2651. The serine at codon 884 is replaced by tyrosine, an amino acid with dissimilar properties. This amino acid position is conserved. In addition, this alteration is predicted to be tolerated by in silico analysis. Based on the available evidence, the clinical significance of this variant remains unclear.

NM_017654.4(SAMD9):c.2651C>A (p.Ser884Tyr)

Gene: SAMD9 (sterile alpha motif domain containing 9; minus strand). Cytogenetic location: 7q21.2.
Variant type: single nucleotide variant.
Coding change: c.2651C>A on transcript NM_017654.4 (MANE Select); coding-DNA position 2651, C replaced by A.
Protein change: p.Ser884Tyr; replaces serine 884 with tyrosine.
Molecular consequence: missense variant.
Genome position (GRCh38, 1-based): chr7:93,103,447, G>T on the plus strand (C>A on the coding strand, the complement: SAMD9 is on the minus strand). VCF-style: chr7-93103447-G-T. GRCh37 (hg19) VCF-style: chr7-92732760-G-T.
Other names: c.2651C>A, p.Ser884Tyr (NM_001193307.2); short protein forms S884Y.
Identifiers: ClinVar variation 3949489 (VCV003949489.1).